The following is an entry in ClinVar:

NC_000010.10:g.(?_126097101)_(126097544_?)del

Gene: OAT (ornithine aminotransferase; minus strand). Cytogenetic location: 10q26.13.
Variant type: Deletion.
Identifiers: ClinVar variation 2422769 (VCV002422769.4).

ClinVar aggregate classification (germline): Pathogenic (1 of 4 stars; one submission).

Conditions:
Ornithine aminotransferase deficiency (GACR). Also called: OAT DEFICIENCY; OKT DEFICIENCY; HYPERORNITHINEMIA WITH GYRATE ATROPHY OF CHOROID AND RETINA; Ornithine ketoacid aminotransferase deficiency; Gyrate atrophy; Gyrate atrophy of choroid and retina. Identifiers: Orphanet 414, MedGen C0018425, MONDO:0009796, OMIM 258870.

Submission:

Labcorp Genetics (formerly Invitae), Labcorp
Classification: Pathogenic for Ornithine aminotransferase deficiency. Last evaluated: 2021-12-23. Review status: criteria provided, single submitter. Criteria: Invitae Variant Classification Sherloc (09022015). Collection method: clinical testing. Allele origin: germline.
Comment: For these reasons, this variant has been classified as Pathogenic. This variant disrupts a region of the OAT protein in which other variant(s) (p.Ser83Asn) have been determined to be pathogenic (PMID: 30366948). This suggests that this is a clinically significant region of the protein, and that variants that disrupt it are likely to be disease-causing. This variant has not been reported in the literature in individuals affected with OAT-related conditions. This variant is a gross deletion of the genomic region encompassing exon(s) 3-4 of the OAT gene. This variant would be expected to be in-frame, preserving the integrity of the reading frame.

Literature cited by the submitters: PubMed 30366948.